The following is an entry in ClinVar:

NM_201384.3(PLEC):c.9777T>A (p.Ser3259=)

Gene: PLEC (plectin; minus strand). Cytogenetic location: 8q24.3.
Variant type: single nucleotide variant.
Coding change: c.9777T>A on transcript NM_201384.3 (MANE Select); coding-DNA position 9777, T replaced by A.
Protein change: p.Ser3259=; no amino-acid change (serine 3259 retained).
Molecular consequence: synonymous variant.
Genome position (GRCh38, 1-based): chr8:143,920,044, A>T on the plus strand (T>A on the coding strand, the complement: PLEC is on the minus strand). VCF-style: chr8-143920044-A-T. GRCh37 (hg19) VCF-style: chr8-144994212-A-T.
Other names: p.Ser3245=; c.9858T>A, p.Ser3286= (NM_000445.5); c.9735T>A, p.Ser3245= (NM_201378.4); c.9711T>A, p.Ser3237= (NM_201379.3); c.10188T>A, p.Ser3396= (NM_201380.4); c.9681T>A, p.Ser3227= (NM_201381.3); c.9777T>A, p.Ser3259= (NM_201382.4); c.9789T>A, p.Ser3263= (NM_201383.3).
Identifiers: ClinVar variation 93091 (VCV000093091.22), dbSNP rs34644439, ClinGen allele CA146645.
Genomic context (GRCh38, chr8:143,920,044, plus strand): 5'-GACCTTGCCCGTGCGGAACTGACGCAACAGCTCCTGCCGCTGCTCCGCAGTGAAGTACTC[A>T]GAGCTGATGAGCTCCCACACCGTCACCGTCCTGCCCTTGAAGCCACCCACGGGGACCTCA-3'
Protein context (NP_958786.1, residues 3249-3269): RTVTVWELIS[Ser3259=]EYFTAEQRQE

ClinVar aggregate classification (germline): Benign/Likely benign. Review status: criteria provided, multiple submitters, no conflicts (2 of 4 stars). 7 submissions from 7 submitters: Benign (4); Likely benign (2). 1 of the submissions does not count toward it. Last evaluated 2026-02-03.

Conditions:
Epidermolysis bullosa simplex, Ogna type (EBS5A). Also called: Pidermolysis bullosa simplex 5A, Ogna type; EPIDERMOLYSIS BULLOSA SIMPLEX 5A, OGNA TYPE. Identifiers: Orphanet 79401, MedGen C0432317, MONDO:0007555, OMIM 131950.
Autosomal recessive limb-girdle muscular dystrophy type 2Q (LGMDR17). Also called: MUSCULAR DYSTROPHY, LIMB-GIRDLE, AUTOSOMAL RECESSIVE 17. Identifiers: Orphanet 254361, MedGen C3150989, MONDO:0013390, OMIM 613723.
Epidermolysis bullosa simplex 5C, with pyloric atresia (EBS5C). Also called: PLEC-Related Epidermolysis Bullosa with Pyloric Atresia; Epidermolysis bullosa simplex with pyloric atresia; PLEC1-Related Epidermolysis Bullosa with Pyloric Atresia. Identifiers: Orphanet 158684, MedGen C2677349, MONDO:0012807, OMIM 612138.
Epidermolysis bullosa simplex with nail dystrophy (EBS5D). Identifiers: MedGen C4225309, MONDO:0014661, OMIM 616487.
Epidermolysis bullosa simplex 5B, with muscular dystrophy (EBS5B). Also called: EPIDERMOLYSIS BULLOSA SIMPLEX AND LIMB-GIRDLE MUSCULAR DYSTROPHY; Epidermolysis bullosa simplex with muscular dystrophy. Identifiers: Orphanet 257, MedGen C2931072, MONDO:0009181, OMIM 226670.

Allele frequency attached by ClinVar (database versions not stated): ExAC 0.02879; gnomAD 0.09078 and 0.09690; ESP Exome Variant Server 0.09824; TOPMed 0.10328; 1000 Genomes Project 0.10942; 1000 Genomes Project 30x 0.11711.

Submissions (7):

Labcorp Genetics (formerly Invitae), Labcorp
Classification: Benign for Autosomal recessive limb-girdle muscular dystrophy type 2Q; Epidermolysis bullosa simplex, Ogna type; Epidermolysis bullosa simplex with nail dystrophy; Epidermolysis bullosa simplex 5C, with pyloric atresia; Epidermolysis bullosa simplex 5B, with muscular dystrophy. Last evaluated: 2026-02-03. Review status: criteria provided, single submitter. Criteria: Invitae Variant Classification Sherloc (09022015). Collection method: clinical testing. Allele origin: germline.

Mayo Clinic Laboratories, Mayo Clinic
Classification: Benign. Last evaluated: 2018-02-20. Review status: criteria provided, single submitter. Criteria: ACMG Guidelines, 2015. Collection method: clinical testing. Allele origin: germline. Observed: 94 variant alleles.

GeneDx
Classification: Benign. Last evaluated: 2016-02-08. Review status: criteria provided, single submitter. Criteria: GeneDx Variant Classification (06012015). Collection method: clinical testing. Allele origin: germline. Affected: yes.
Comment: This variant is considered likely benign or benign based on one or more of the following criteria: it is a conservative change, it occurs at a poorly conserved position in the protein, it is predicted to be benign by multiple in silico algorithms, and/or has population frequency not consistent with disease.

Eurofins Ntd Llc (ga)
Classification: Benign. Last evaluated: 2013-05-29. Review status: criteria provided, single submitter. Criteria: EGL Classification Definitions 2015. Collection method: clinical testing. Allele origin: germline. Observed: 3 variant alleles, 3 heterozygotes.

Breakthrough Genomics
Classification: Likely benign. Review status: criteria provided, single submitter. Criteria: ACMG Guidelines, 2015. Collection method: not provided. Allele origin: germline. Inheritance: Autosomal recessive inheritance. Affected: yes.

PreventionGenetics, part of Exact Sciences
Classification: Likely benign. Review status: criteria provided, single submitter. Criteria: ACMG Guidelines, 2015. Collection method: clinical testing. Allele origin: germline.

Genetic Services Laboratory, University of Chicago
Classification: Likely benign for AllHighlyPenetrant. Review status: no assertion criteria provided. Collection method: clinical testing. Allele origin: germline. Inheritance: Autosomal recessive inheritance. Not counted in ClinVar's aggregate classification.
Comment: Likely benign based on allele frequency in 1000 Genomes Project or ESP global frequency and its presence in a patient with a rare or unrelated disease phenotype. NOT Sanger confirmed.